The following is an entry in ClinVar:

NM_016138.5(COQ7):c.65_66delinsTA (p.Ser22Leu)

Genes: COQ7 (coenzyme Q7, hydroxylase; plus strand), LOC130058587 (ATAC-STARR-seq lymphoblastoid silent region 7240; plus strand). Cytogenetic location: 16p12.3.
Variant type: Indel.
Coding change: c.65_66delinsTA on transcript NM_016138.5 (MANE Select); coding-DNA positions 65 to 66, CC replaced by TA.
Protein change: p.Ser22Leu; replaces serine 22 with leucine.
Molecular consequence: missense variant. On other transcripts: 5 prime UTR variant (1), non-coding transcript variant (2).
Genome position (GRCh38, 1-based): chr16:19,067,729-19,067,730, CC replaced by TA. VCF-style: chr16-19067729-CC-TA. GRCh37 (hg19) VCF-style: chr16-19079051-CC-TA.
Other names: c.65_66delinsTA, p.Ser22Leu (NM_001370490.1); c.-143_-142delinsTA (NM_001370494.1); short protein forms S22L.
Identifiers: ClinVar variation 3648324 (VCV003648324.2).

ClinVar aggregate classification (germline): Uncertain significance (1 of 4 stars; one submission).

Submission:

Labcorp Genetics (formerly Invitae), Labcorp
Classification: Uncertain significance. Last evaluated: 2024-04-10. Review status: criteria provided, single submitter. Criteria: Invitae Variant Classification Sherloc (09022015). Collection method: clinical testing. Allele origin: germline.
Comment: This sequence change replaces serine, which is neutral and polar, with leucine, which is neutral and non-polar, at codon 22 of the COQ7 protein (p.Ser22Leu). Information on the frequency of this variant in the gnomAD database is not available, as this variant may be reported differently in the database. This variant has not been reported in the literature in individuals affected with COQ7-related conditions. An algorithm developed to predict the effect of missense changes on protein structure and function (PolyPhen-2) suggests that this variant is likely to be tolerated. In summary, the available evidence is currently insufficient to determine the role of this variant in disease. Therefore, it has been classified as a Variant of Uncertain Significance.